The following is an entry in ClinVar:

NM_000069.3(CACNA1S):c.2854-89C>G

Gene: CACNA1S (calcium voltage-gated channel subunit alpha1 S; minus strand). Cytogenetic location: 1q32.1.
Variant type: single nucleotide variant.
Coding change: c.2854-89C>G on transcript NM_000069.3 (MANE Select); 89 bases into the intron before coding-DNA position 2854, C replaced by G.
Molecular consequence: intron variant.
Genome position (GRCh38, 1-based): chr1:201,062,603, G>C on the plus strand (C>G on the coding strand, the complement: CACNA1S is on the minus strand). VCF-style: chr1-201062603-G-C. GRCh37 (hg19) VCF-style: chr1-201031731-G-C.
Identifiers: ClinVar variation 678224 (VCV000678224.2), dbSNP rs2275484, ClinGen allele CA36008646.
Genomic context (GRCh38, chr1:201,062,603, plus strand): 5'-GGAGGCATGTTGTCATGGAAACAGGATAGAAAAGTGGGCTCTGGGAGTGAACAGTGGAAG[G>C]GGGGAGGGAAGGCAGGCATCTGAAAAAAGGAGCCCAAGCCCATCTCTTCCTCTCAGAGGC-3'

ClinVar aggregate classification (germline): Likely benign. Review status: criteria provided, multiple submitters, no conflicts (2 of 4 stars). 2 submissions from 2 submitters: Likely benign (2). Last evaluated 2018-06-19.

Allele frequency attached by ClinVar (database versions not stated): TOPMed 0.01821; 1000 Genomes Project 30x 0.06199; 1000 Genomes Project 0.06450.
gnomAD v4.1: 24,263 of 1,162,068 alleles (2.1%); highest among the groups gnomAD compares: East Asian, 15%; 1,060 homozygotes.

Submissions (2):

GeneDx
Classification: Likely benign. Last evaluated: 2018-06-19. Review status: criteria provided, single submitter. Criteria: GeneDx Variant Classification (06012015). Collection method: clinical testing. Allele origin: germline. Affected: yes.
Comment: This variant is considered likely benign or benign based on one or more of the following criteria: it is a conservative change, it occurs at a poorly conserved position in the protein, it is predicted to be benign by multiple in silico algorithms, and/or has population frequency not consistent with disease.

Breakthrough Genomics
Classification: Likely benign. Review status: criteria provided, single submitter. Criteria: ACMG Guidelines, 2015. Collection method: not provided. Allele origin: germline. Inheritance: Autosomal dominant inheritance. Affected: yes.